The following is an entry in ClinVar:

NM_000875.5(IGF1R):c.1242A>G (p.Leu414=)

Gene: IGF1R (insulin like growth factor 1 receptor; plus strand). Cytogenetic location: 15q26.3.
Variant type: single nucleotide variant.
Coding change: c.1242A>G on transcript NM_000875.5 (MANE Select); coding-DNA position 1242, A replaced by G.
Protein change: p.Leu414=; no amino-acid change (leucine 414 retained).
Molecular consequence: synonymous variant.
Genome position (GRCh38, 1-based): chr15:98,899,616, A>G. VCF-style: chr15-98899616-A-G. GRCh37 (hg19) VCF-style: chr15-99442845-A-G.
Other names: c.1242A>G, p.Leu414= (NM_001291858.2).
Identifiers: ClinVar variation 3058621 (VCV003058621.4), dbSNP rs200202491, ClinGen allele CA7752044.
Genomic context (GRCh38, chr15:98,899,616, plus strand): 5'-TGCCTTGGTCTCCTTGTCCTTCCTAAAAAACCTTCGCCTCATCCTAGGAGAGGAGCAGCT[A>G]GAAGGGTAAGTGCCCCAAATTTCATGAGCTGACGTTCTATTACAAAATAAGCAGCGTGCT-3'
Protein context (NP_000866.1, residues 404-424): NLRLILGEEQ[Leu414=]EGNYSFYVLD

ClinVar aggregate classification (germline): Likely benign. Review status: criteria provided, single submitter (1 of 4 stars). 2 submissions from 2 submitters: Likely benign (1). 1 of the submissions does not count toward it. Last evaluated 2024-11-06.

Conditions:
IGF1R-related disorder. Also called: IGF1R-related condition.

Allele frequency attached by ClinVar (database versions not stated): ExAC 0.00001; gnomAD 0.00001; gnomAD exomes 0.00001; TOPMed 0.00001.
gnomAD v4.1: 16 of 1,614,000 alleles (0.00099%); highest among the groups gnomAD compares: Non-Finnish European, 0.0014%; no homozygotes.

Submissions (2):

Labcorp Genetics (formerly Invitae), Labcorp
Classification: Likely benign. Last evaluated: 2024-11-06. Review status: criteria provided, single submitter. Criteria: Invitae Variant Classification Sherloc (09022015). Collection method: clinical testing. Allele origin: germline.

PreventionGenetics, part of Exact Sciences
Classification: Likely benign for IGF1R-related condition. Last evaluated: 2019-04-25. Review status: no assertion criteria provided. Collection method: clinical testing. Allele origin: germline. Not counted in ClinVar's aggregate classification.
Comment: This variant is classified as likely benign based on ACMG/AMP sequence variant interpretation guidelines (Richards et al. 2015 PMID: 25741868, with internal and published modifications).